The following is an entry in ClinVar:

NM_004415.4(DSP):c.3856C>T (p.Gln1286Ter)

Gene: DSP (desmoplakin; plus strand). Cytogenetic location: 6p24.3.
Variant type: single nucleotide variant.
Coding change: c.3856C>T on transcript NM_004415.4 (MANE Select); coding-DNA position 3856, C replaced by T.
Protein change: p.Gln1286Ter; replaces glutamine 1286 with a stop codon.
Molecular consequence: nonsense. On other transcripts: intron variant (1).
Genome position (GRCh38, 1-based): chr6:7,580,046, C>T. VCF-style: chr6-7580046-C-T. GRCh37 (hg19) VCF-style: chr6-7580279-C-T.
Other names: c.3856C>T, p.Gln1286Ter (NM_001319034.2); c.3582+274C>T (NM_001008844.3); short protein forms Q1286*.
Identifiers: ClinVar variation 2949989 (VCV002949989.5), dbSNP rs2533926317, ClinGen allele CA362685005.

ClinVar aggregate classification (germline): Pathogenic. Review status: criteria provided, multiple submitters, no conflicts (2 of 4 stars). 3 submissions from 3 submitters: Pathogenic (2). 1 of the submissions does not count toward it. Last evaluated 2024-07-29.

Conditions:
Arrhythmogenic cardiomyopathy with wooly hair and keratoderma. Also called: PALMOPLANTAR KERATODERMA WITH LEFT VENTRICULAR CARDIOMYOPATHY AND WOOLLY HAIR; Carvajal syndrome; Dilated cardiomyopathy with woolly hair and keratoderma; Arrhythmogenic cardiomyopathy with woolly hair and keratoderma. Identifiers: Orphanet 65282, MedGen C1854063, MONDO:0011581, OMIM 605676.
Arrhythmogenic right ventricular dysplasia 8 (ARVD8). Also called: Arrhythmogenic Right Ventricular Dysplasia/Cardiomyopathy 8; ARRHYTHMOGENIC RIGHT VENTRICULAR DYSPLASIA, FAMILIAL, 8; ARRHYTHMOGENIC RIGHT VENTRICULAR CARDIOMYOPATHY 8. Identifiers: MedGen C1843896, MONDO:0011831, OMIM 607450.

Submissions (3):

All of Us Research Program, National Institutes of Health
Classification: Pathogenic for Arrhythmogenic cardiomyopathy with wooly hair and keratoderma. Last evaluated: 2024-07-29. Review status: criteria provided, single submitter. Criteria: ACMG Guidelines, 2015. Collection method: clinical testing. Allele origin: germline. Inheritance: Autosomal dominant inheritance. Observed: 1 variant allele, 1 heterozygote.
Comment: This variant changes 1 nucleotide in exon 23/24 of the DSP gene, creating a premature translation stop signal. This variant is expected to result in an absent or non-functional protein product. To our knowledge, this variant has not been reported in individuals affected with DSP-related disorders in the literature. This variant has not been identified in the general population by the Genome Aggregation Database (gnomAD). Loss of DSP function is a known mechanism of disease. Based on the available evidence, this variant is classified as Pathogenic.

This study involves interpretation of variants in research participants for the purpose of population health screening. Participant phenotype was not available at the time of variant classification. Additional details can be found in publication PMID: 35346344, PMCID: PMC8962531

Labcorp Genetics (formerly Invitae), Labcorp
Classification: Pathogenic for Arrhythmogenic cardiomyopathy with wooly hair and keratoderma; Arrhythmogenic right ventricular dysplasia 8. Last evaluated: 2023-09-27. Review status: criteria provided, single submitter. Criteria: Invitae Variant Classification Sherloc (09022015). Collection method: clinical testing. Allele origin: germline.
Comment: This sequence change creates a premature translational stop signal (p.Gln1286*) in the DSP gene. It is expected to result in an absent or disrupted protein product. Loss-of-function variants in DSP are known to be pathogenic (PMID: 20716751, 24503780, 25227139). This variant is not present in population databases (gnomAD no frequency). This variant has not been reported in the literature in individuals affected with DSP-related conditions. For these reasons, this variant has been classified as Pathogenic.

Institute of Human Genetics, University of Wuerzburg
Classification: Likely pathogenic for Arrhythmogenic right ventricular dysplasia 8. Review status: no assertion criteria provided. Collection method: clinical testing. Allele origin: unknown. Affected: yes. Observed: 1 heterozygote. Not counted in ClinVar's aggregate classification.

Literature cited by the submitters: PubMed 20716751 (cited by Labcorp Genetics (formerly Invitae), Labcorp); PubMed 24503780 (cited by Labcorp Genetics (formerly Invitae), Labcorp); PubMed 25227139 (cited by Labcorp Genetics (formerly Invitae), Labcorp).